The following is an entry in ClinVar:

ClinVar aggregate classification (germline): Uncertain significance. Review status: criteria provided, multiple submitters, no conflicts (2 of 4 stars). 2 submissions from 2 submitters: Uncertain significance (2). Last evaluated 2020-04-09.

Conditions:
Neurodevelopmental disorder with hypotonia and autistic features with or without hyperkinetic movements. Identifiers: MedGen C5231491, MONDO:0032900, OMIM 618760.
Inborn genetic diseases. Identifiers: MedGen C0950123, MeSH D030342.

Submissions (2):

Undiagnosed Diseases Network, NIH
Classification: Uncertain significance for Neurodevelopmental disorder with hypotonia and autistic features with or without hyperkinetic movements. Last evaluated: 2020-04-09. Review status: criteria provided, single submitter. Criteria: ACMG Guidelines, 2015. Collection method: clinical testing. Allele origin: de novo. Inheritance: Autosomal dominant inheritance. Affected: yes. Observed: 1 variant allele, 1 heterozygote. Study: Undiagnosed Diseases Network (NIH), UDN.

Ambry Genetics
Classification: Uncertain significance for Inborn genetic diseases. Last evaluated: 2020-03-09. Review status: criteria provided, single submitter. Criteria: Ambry Variant Classification Scheme 2023. Collection method: clinical testing. Allele origin: germline.
Comment: The alteration results in an amino acid change:_x000D_ _x000D_ The c.221C>T (p.A74V) alteration is located in coding exon 3 of the VAMP2 gene. This alteration results from a C to T substitution at nucleotide position 221, causing the alanine (A) at amino acid position 74 to be replaced by a valine (V). The alteration is not observed in population databases: _x000D_ _x000D_ Based on data from the Genome Aggregation Database (gnomAD), the VAMP2 c.221 C>T alteration was not observed, with coverage at this position. The altered amino acid is conserved throughout evolution:_x000D_ _x000D_ The p.A74 amino acid is conserved in available vertebrate species. The alteration is predicted inconclusive by in silico modeling:_x000D_ _x000D_ The in silico prediction for the p.A74V alteration is inconclusive. Based on insufficient or conflicting evidence, the clinical significance of this alteration remains unclear.

NM_014232.3(VAMP2):c.221C>T (p.Ala74Val)

Gene: VAMP2 (vesicle associated membrane protein 2; minus strand). Cytogenetic location: 17p13.1.
Variant type: single nucleotide variant.
Coding change: c.221C>T on transcript NM_014232.3 (MANE Select); coding-DNA position 221, C replaced by T.
Protein change: p.Ala74Val; replaces alanine 74 with valine.
Molecular consequence: missense variant.
Genome position (GRCh38, 1-based): chr17:8,161,669, G>A on the plus strand (C>T on the coding strand, the complement: VAMP2 is on the minus strand). VCF-style: chr17-8161669-G-A. GRCh37 (hg19) VCF-style: chr17-8064987-G-A.
Other names: c.227C>T, p.Ala76Val (NM_001330125.1); short protein forms A74V, A76V.
Identifiers: ClinVar variation 985205 (VCV000985205.7), dbSNP rs1983316869, ClinGen allele CA397965387.
Genomic context (GRCh38, chr17:8,161,669, plus strand): 5'-TTGAGGTTTTTCCACCAGTATTTGCGCTTGAGCTTGGCTGCGCTTGTTTCAAACTGGGAG[G>A]CCCCCGCCTGGAGTGCATCTGCACGGTCGTCCAGCTCCGACAGCTTCTGGTCTCGCTCCA-3'
Protein context (NP_055047.2, residues 64-84): DDRADALQAG[Ala74Val]SQFETSAAKL